The following is an entry in ClinVar:

ClinVar aggregate classification (germline): Uncertain significance (1 of 4 stars; one submission).

Conditions:
Peroxisome biogenesis disorder 7A (Zellweger). Also called: Peroxisome biogenesis disorder 7A. Identifiers: Orphanet 912, MedGen C3888385, MONDO:0013938, OMIM 614872.
Peroxisome biogenesis disorder 7B (PBD7B). Identifiers: Orphanet 44, MedGen C3553951, MONDO:0013939, OMIM 614873.

Submission:

Labcorp Genetics (formerly Invitae), Labcorp
Classification: Uncertain significance for Peroxisome biogenesis disorder 7A (Zellweger); Peroxisome biogenesis disorder 7B. Last evaluated: 2022-08-22. Review status: criteria provided, single submitter. Criteria: Invitae Variant Classification Sherloc (09022015). Collection method: clinical testing. Allele origin: germline.
Comment: In summary, the available evidence is currently insufficient to determine the role of this variant in disease. Therefore, it has been classified as a Variant of Uncertain Significance. Algorithms developed to predict the effect of missense changes on protein structure and function (SIFT, PolyPhen-2, Align-GVGD) all suggest that this variant is likely to be disruptive. This variant has not been reported in the literature in individuals affected with PEX26-related conditions. This variant is not present in population databases (gnomAD no frequency). This sequence change replaces cysteine, which is neutral and slightly polar, with tryptophan, which is neutral and slightly polar, at codon 58 of the PEX26 protein (p.Cys58Trp).

NM_001127649.3(PEX26):c.174C>G (p.Cys58Trp)

Gene: PEX26 (peroxisomal biogenesis factor 26; plus strand). Cytogenetic location: 22q11.21.
Variant type: single nucleotide variant.
Coding change: c.174C>G on transcript NM_001127649.3 (MANE Select); coding-DNA position 174, C replaced by G.
Protein change: p.Cys58Trp; replaces cysteine 58 with tryptophan.
Molecular consequence: missense variant.
Genome position (GRCh38, 1-based): chr22:18,078,550, C>G. VCF-style: chr22-18078550-C-G. GRCh37 (hg19) VCF-style: chr22-18561316-C-G.
Other names: c.174C>G, p.Cys58Trp (NM_001199319.2, NM_017929.6); short protein forms C58W.
Identifiers: ClinVar variation 1717552 (VCV001717552.5), dbSNP rs2123644447, ClinGen allele CA410265094.